The following is an entry in ClinVar:

ClinVar aggregate classification (germline): Uncertain significance (1 of 4 stars; one submission).

Conditions:
Neurodevelopmental disorder. Identifiers: MedGen C1535926, MeSH D065886, MONDO:0700092.

Submission:

Laboratory of Molecular Genetics (Pr. Bezieau's lab), CHU de Nantes
Classification: Uncertain significance for Neurodevelopmental disorder. Last evaluated: 2026-05-27. Review status: criteria provided, single submitter. Criteria: ACMG Guidelines, 2015. Collection method: clinical testing. Allele origin: de novo. Inheritance: Autosomal dominant inheritance. Affected: yes. Observed: 2 variant alleles, 2 heterozygotes.
Comment: ACMG criteria: PS2, PM2. Protein change: p.(Thr13Ile).

NM_006196.4(PCBP1):c.38C>T (p.Thr13Ile)

Genes: PCBP1 (poly(rC) binding protein 1; plus strand), PCBP1-AS1 (PCBP1 antisense RNA 1; minus strand). Cytogenetic location: 2p13.3.
Variant type: single nucleotide variant.
Coding change: c.38C>T on transcript NM_006196.4 (MANE Select); coding-DNA position 38, C replaced by T.
Protein change: p.Thr13Ile; replaces threonine 13 with isoleucine.
Molecular consequence: missense variant.
Genome position (GRCh38, 1-based): chr2:70,087,781, C>T. VCF-style: chr2-70087781-C-T. GRCh37 (hg19) VCF-style: chr2-70314913-C-T.
Other names: short protein forms T13I.
Identifiers: ClinVar variation 4852568 (VCV004852568.1).